The following is an entry in ClinVar:

NM_006295.3(VARS1):c.1696C>T (p.His566Tyr)

Gene: VARS1 (valyl-tRNA synthetase 1; minus strand). Cytogenetic location: 6p21.33.
Variant type: single nucleotide variant.
Coding change: c.1696C>T on transcript NM_006295.3 (MANE Select); coding-DNA position 1696, C replaced by T.
Protein change: p.His566Tyr; replaces histidine 566 with tyrosine.
Molecular consequence: missense variant.
Genome position (GRCh38, 1-based): chr6:31,783,162, G>A on the plus strand (C>T on the coding strand, the complement: VARS1 is on the minus strand). VCF-style: chr6-31783162-G-A. GRCh37 (hg19) VCF-style: chr6-31750939-G-A.
Other names: short protein forms H566Y.
Identifiers: ClinVar variation 2499000 (VCV002499000.28), dbSNP rs1264108397, ClinGen allele CA363462515.

ClinVar aggregate classification (germline): Uncertain significance (1 of 4 stars; one submission).

Allele frequency attached by ClinVar (database versions not stated): gnomAD 0.00001; TOPMed 0.00001.
gnomAD v4.1: 1 of 1,612,648 alleles (0.000062%); highest among the groups gnomAD compares: Non-Finnish European, 0.000085%; no homozygotes.

Submission:

CeGaT Center for Human Genetics Tuebingen
Classification: Uncertain significance. Last evaluated: 2023-02-01. Review status: criteria provided, single submitter. Criteria: CeGaT Center For Human Genetics Tuebingen Variant Classification Criteria Version 2. Collection method: clinical testing. Allele origin: germline. Affected: yes. Observed: 1 variant allele.
Comment: VARS1: PM2, PP4:Moderate